The following is an entry in ClinVar:

ClinVar aggregate classification (germline): Likely benign. Review status: criteria provided, multiple submitters, no conflicts (2 of 4 stars). 2 submissions from 2 submitters: Likely benign (2). Last evaluated 2019-07-12.

Conditions:
3-methylcrotonyl-CoA carboxylase 2 deficiency. Also called: METHYLCROTONYLGLYCINURIA, TYPE II; 3 alpha methylcrotonyl-CoA carboxylase 2 deficiency; 3 alpha methylcrotonylglycinuria 2; MCC 2 deficiency; Methylcrotonylglycinuria type 2. Identifiers: Orphanet 6, MedGen C1859499, MONDO:0008862, OMIM 210210.

Allele frequency attached by ClinVar (database versions not stated): gnomAD exomes 0.00132; 1000 Genomes Project 30x 0.00781; 1000 Genomes Project 0.00819; gnomAD 0.01048 and 0.01133; TOPMed 0.01229.

Submissions (2):

GeneDx
Classification: Likely benign. Last evaluated: 2019-07-12. Review status: criteria provided, single submitter. Criteria: GeneDx Variant Classification Process June 2021. Collection method: clinical testing. Allele origin: germline. Affected: yes.

Illumina Laboratory Services, Illumina
Classification: Likely benign for 3-methylcrotonyl-CoA carboxylase 2 deficiency. Last evaluated: 2018-01-12. Review status: criteria provided, single submitter. Criteria: ICSL Variant Classification Criteria 13 December 2019. Collection method: clinical testing. Allele origin: germline.
Comment: This variant was observed in the ICSL laboratory as part of a predisposition screen in an ostensibly healthy population. It had not been previously curated by ICSL or reported in the Human Gene Mutation Database (HGMD: prior to June 1st, 2018), and was therefore a candidate for classification through an automated scoring system. Utilizing variant allele frequency, disease prevalence and penetrance estimates, and inheritance mode, an automated score was calculated to assess if this variant is too frequent to cause the disease. Based on the score and internal cut-off values, a variant classified as likely benign is not then subjected to further curation. The score for this variant resulted in a classification of likely benign for this disease.

NM_022132.5(MCCC2):c.*245T>C

Gene: MCCC2 (methylcrotonyl-CoA carboxylase subunit 2; plus strand). Cytogenetic location: 5q13.2.
Variant type: single nucleotide variant.
Coding change: c.*245T>C on transcript NM_022132.5 (MANE Select); 245 bases downstream of the stop codon, T replaced by C.
Molecular consequence: 3 prime UTR variant.
Genome position (GRCh38, 1-based): chr5:71,657,105, T>C. VCF-style: chr5-71657105-T-C. GRCh37 (hg19) VCF-style: chr5-70952932-T-C.
Other names: c.*245T>C (NM_001363147.1).
Identifiers: ClinVar variation 354105 (VCV000354105.8), dbSNP rs11551918, ClinGen allele CA10622123.